The following is an entry in ClinVar:

ClinVar aggregate classification (germline): Conflicting classifications of pathogenicity. Review status: criteria provided, conflicting classifications (1 of 4 stars). 4 submissions from 4 submitters: Pathogenic (1); Likely pathogenic (2); Uncertain significance (1). Last evaluated 2025-11-13.

Conditions:
SKIN/HAIR/EYE PIGMENTATION 1, BLUE/NONBLUE EYES (SHEP1). Also called: BROWN EYE COLOR 2; EYE COLOR 3; EYE COLOR, BLUE/NONBLUE; EYE COLOR, BROWN/BLUE; HAIR COLOR 3; SKIN/HAIR/EYE PIGMENTATION 1, BLOND/BROWN HAIR. Identifiers: MedGen C1856895, OMIM 227220.
Tyrosinase-positive oculocutaneous albinism (OCA2). Also called: Albinism, oculocutaneous, type II; ALBINISM II; Oculocutaneous albinism type 2. Identifiers: Orphanet 79432, MedGen C0268495, MONDO:0008746, OMIM 203200.

Allele frequency attached by ClinVar (database versions not stated): gnomAD exomes 0.00001; ExAC 0.00002; gnomAD 0.00002.
gnomAD v4.1: 10 of 1,612,960 alleles (0.00062%); highest among the groups gnomAD compares: African/African-American, 0.0093%; no homozygotes.

Submissions (4):

Labcorp Genetics (formerly Invitae), Labcorp
Classification: Pathogenic. Last evaluated: 2025-11-13. Review status: criteria provided, single submitter. Criteria: Invitae Variant Classification Sherloc (09022015). Collection method: clinical testing. Allele origin: germline.
Comment: This sequence change replaces glutamic acid, which is acidic and polar, with lysine, which is basic and polar, at codon 567 of the OCA2 protein (p.Glu567Lys). This variant is present in population databases (rs779086242, gnomAD 0.01%). This missense change has been observed in individual(s) with albinism (PMID: 29345414; internal data). In at least one individual the data is consistent with being in trans (on the opposite chromosome) from a pathogenic variant. ClinVar contains an entry for this variant (Variation ID: 1377550). Invitae Evidence Modeling of protein sequence and biophysical properties (such as structural, functional, and spatial information, amino acid conservation, physicochemical variation, residue mobility, and thermodynamic stability) indicates that this missense variant is expected to disrupt OCA2 protein function with a positive predictive value of 80%. For these reasons, this variant has been classified as Pathogenic.

Laboratory of Genetic Epidemiology, Research Centre for Medical Genetics
Classification: Likely pathogenic for SKIN/HAIR/EYE PIGMENTATION 1, BLUE/NONBLUE EYES; Tyrosinase-positive oculocutaneous albinism. Last evaluated: 2025-01-01. Review status: criteria provided, single submitter. Criteria: ACMG Guidelines, 2015. Collection method: clinical testing. Allele origin: paternal. Inheritance: Autosomal recessive inheritance. Affected: yes. Observed: 1 compound heterozygote.
Comment: This variant has been previously reported in the literature (PMIDs: 29345414, 33502802) and is listed in gnomAD v3.1.2 with allele frequency 0.00002 (3/152166). The affected amino acid position is evolutionarily conserved, and multiple in silico prediction tools support a deleterious effect. Taken together, the variant meets the following ACMG/AMP criteria and can be classified as likely pathogenic with PM2, PP3, PM3, PP5, PP4 criteria.

Baylor Genetics
Classification: Likely pathogenic for SKIN/HAIR/EYE PIGMENTATION 1, BLUE/NONBLUE EYES. Last evaluated: 2024-03-01. Review status: criteria provided, single submitter. Criteria: ACMG Guidelines, 2015. Collection method: clinical testing. Allele origin: unknown.

GeneDx
Classification: Uncertain significance. Last evaluated: 2022-10-19. Review status: criteria provided, single submitter. Criteria: GeneDx Variant Classification Process June 2021. Collection method: clinical testing. Allele origin: germline. Affected: yes.
Comment: Identified with another OCA2 variant, phase unknown, in an individual with oculocutaneous albinism in the published literature (Parker et al., 2021); In silico analysis supports that this missense variant has a deleterious effect on protein structure/function; This variant is associated with the following publications: (PMID: 28976636, 29345414, 33502802)

Literature cited by the submitters: PubMed 29345414 (cited by Labcorp Genetics (formerly Invitae), Labcorp and Laboratory of Genetic Epidemiology, Research Centre for Medical Genetics); PubMed 33502802 (cited by Laboratory of Genetic Epidemiology, Research Centre for Medical Genetics); PubMed 41428507 (cited by Laboratory of Genetic Epidemiology, Research Centre for Medical Genetics).

NM_000275.3(OCA2):c.1699G>A (p.Glu567Lys)

Gene: OCA2 (OCA2 melanosomal transmembrane protein; minus strand). Cytogenetic location: 15q13.1.
Variant type: single nucleotide variant.
Coding change: c.1699G>A on transcript NM_000275.3 (MANE Select); coding-DNA position 1699, G replaced by A.
Protein change: p.Glu567Lys; replaces glutamic acid 567 with lysine.
Molecular consequence: missense variant.
Genome position (GRCh38, 1-based): chr15:27,957,673, C>T on the plus strand (G>A on the coding strand, the complement: OCA2 is on the minus strand). VCF-style: chr15-27957673-C-T. GRCh37 (hg19) VCF-style: chr15-28202819-C-T.
Other names: c.1699G>A (NM_000275.2); c.1627G>A, p.Glu543Lys (NM_001300984.2); short protein forms E543K, E567K.
Identifiers: ClinVar variation 1377550 (VCV001377550.10), dbSNP rs779086242, ClinGen allele CA7438940.